The following is an entry in ClinVar:

NM_152424.4(AMER1):c.332G>C (p.Ser111Thr)

Gene: AMER1 (APC membrane recruitment protein 1; minus strand). Cytogenetic location: Xq11.2.
Variant type: single nucleotide variant.
Coding change: c.332G>C on transcript NM_152424.4 (MANE Select); coding-DNA position 332, G replaced by C.
Protein change: p.Ser111Thr; replaces serine 111 with threonine.
Molecular consequence: missense variant.
Genome position (GRCh38, 1-based): chrX:64,192,955, C>G on the plus strand (G>C on the coding strand, the complement: AMER1 is on the minus strand). VCF-style: chrX-64192955-C-G. GRCh37 (hg19) VCF-style: chrX-63412835-C-G.
Other names: short protein forms S111T.
Identifiers: ClinVar variation 2637682 (VCV002637682.1), dbSNP rs2147090764, ClinGen allele CA413311616.

ClinVar aggregate classification (germline): Uncertain significance (1 of 4 stars; one submission).

Submission:

Women's Health and Genetics/Laboratory Corporation of America, LabCorp
Classification: Uncertain significance. Last evaluated: 2023-10-11. Review status: criteria provided, single submitter. Criteria: LabCorp Variant Classification Summary - May 2015. Collection method: clinical testing. Allele origin: germline.
Comment: Variant summary: FAM123B c.332G>C (p.Ser111Thr) results in a conservative amino acid change in the encoded protein sequence. Five of five in-silico tools predict a benign effect of the variant on protein function. The variant was absent in 183466 control chromosomes. The available data on variant occurrences in the general population are insufficient to allow any conclusion about variant significance. To our knowledge, no occurrence of c.332G>C in individuals affected with Osteopathia Striata With Cranial Sclerosis and no experimental evidence demonstrating its impact on protein function have been reported. No submitters have cited clinical-significance assessments for this variant to ClinVar after 2014. Based on the evidence outlined above, the variant was classified as uncertain significance.